The following is an entry in ClinVar:

NM_001258392.3(CLPB):c.406G>A (p.Ala136Thr)

Gene: CLPB (ClpB family mitochondrial disaggregase; minus strand). Cytogenetic location: 11q13.4.
Variant type: single nucleotide variant.
Coding change: c.406G>A on transcript NM_001258392.3 (MANE Select); coding-DNA position 406, G replaced by A.
Protein change: p.Ala136Thr; replaces alanine 136 with threonine.
Molecular consequence: missense variant.
Genome position (GRCh38, 1-based): chr11:72,430,361, C>T on the plus strand (G>A on the coding strand, the complement: CLPB is on the minus strand). VCF-style: chr11-72430361-C-T. GRCh37 (hg19) VCF-style: chr11-72141405-C-T.
Other names: c.406G>A, p.Ala136Thr (NM_001258393.3, NM_030813.6); c.164G>A, p.Cys55Tyr (NM_001258394.3); short protein forms A136T, C55Y.
Identifiers: ClinVar variation 2814562 (VCV002814562.3), dbSNP rs2495983553, ClinGen allele CA381962728.

ClinVar aggregate classification (germline): Uncertain significance (1 of 4 stars; one submission).

Conditions:
3-methylglutaconic aciduria, type VIIB (MGCA7B). Also called: CLPB Deficiency; 3-methylglutaconic aciduria with cataracts, neurologic involvement and neutropenia; 3-methylglutaconic aciduria, type VII, with cataracts, neurologic involvement and neutropenia. Identifiers: Orphanet 445038, MedGen C5676893, MONDO:0014561, OMIM 616271.

Submission:

Labcorp Genetics (formerly Invitae), Labcorp
Classification: Uncertain significance for 3-methylglutaconic aciduria, type VIIB. Last evaluated: 2022-12-30. Review status: criteria provided, single submitter. Criteria: Invitae Variant Classification Sherloc (09022015). Collection method: clinical testing. Allele origin: germline.
Comment: This sequence change replaces alanine, which is neutral and non-polar, with threonine, which is neutral and polar, at codon 136 of the CLPB protein (p.Ala136Thr). In summary, the available evidence is currently insufficient to determine the role of this variant in disease. Therefore, it has been classified as a Variant of Uncertain Significance. Algorithms developed to predict the effect of missense changes on protein structure and function (SIFT, PolyPhen-2, Align-GVGD) all suggest that this variant is likely to be tolerated. This variant has not been reported in the literature in individuals affected with CLPB-related conditions. This variant is not present in population databases (gnomAD no frequency).